The following is an entry in ClinVar:

ClinVar aggregate classification (germline): Uncertain significance (1 of 4 stars; one submission).

Conditions:
Developmental and epileptic encephalopathy 94 (DEE94). Also called: Epileptic encephalopathy, childhood-onset; CHD2-Related Neurodevelopmental Disorders. Identifiers: Orphanet 1942, Orphanet 2382, MedGen C3809278, MONDO:0014150, OMIM 615369.

Allele frequency attached by ClinVar (database versions not stated): gnomAD exomes 0.00001; ExAC 0.00002; gnomAD 0.00002; TOPMed 0.00002; ESP Exome Variant Server 0.00015.
gnomAD v4.1: 63 of 1,613,162 alleles (0.0039%); highest among the groups gnomAD compares: Non-Finnish European, 0.0051%; no homozygotes.

Submission:

Labcorp Genetics (formerly Invitae), Labcorp
Classification: Uncertain significance for Developmental and epileptic encephalopathy 94. Last evaluated: 2025-05-28. Review status: criteria provided, single submitter. Criteria: Invitae Variant Classification Sherloc (09022015). Collection method: clinical testing. Allele origin: germline.
Comment: This sequence change replaces lysine, which is basic and polar, with glutamic acid, which is acidic and polar, at codon 1439 of the CHD2 protein (p.Lys1439Glu). This variant is present in population databases (rs368570245, gnomAD 0.003%). This variant has not been reported in the literature in individuals affected with CHD2-related conditions. ClinVar contains an entry for this variant (Variation ID: 644172). Invitae Evidence Modeling of protein sequence and biophysical properties (such as structural, functional, and spatial information, amino acid conservation, physicochemical variation, residue mobility, and thermodynamic stability) indicates that this missense variant is not expected to disrupt CHD2 protein function with a negative predictive value of 95%. In summary, the available evidence is currently insufficient to determine the role of this variant in disease. Therefore, it has been classified as a Variant of Uncertain Significance.

NM_001271.4(CHD2):c.4315A>G (p.Lys1439Glu)

Gene: CHD2 (chromodomain helicase DNA binding protein 2; plus strand). Cytogenetic location: 15q26.1.
Variant type: single nucleotide variant.
Coding change: c.4315A>G on transcript NM_001271.4 (MANE Select); coding-DNA position 4315, A replaced by G.
Protein change: p.Lys1439Glu; replaces lysine 1439 with glutamic acid.
Molecular consequence: missense variant.
Genome position (GRCh38, 1-based): chr15:93,004,653, A>G. VCF-style: chr15-93004653-A-G. GRCh37 (hg19) VCF-style: chr15-93547883-A-G.
Other names: short protein forms K1439E.
Identifiers: ClinVar variation 644172 (VCV000644172.11), dbSNP rs368570245, ClinGen allele CA7748448.
Genomic context (GRCh38, chr15:93,004,653, plus strand): 5'-CTCCTTGTAACTCTTTTTTAAAAGCCTAAAAGTGGTGATGCCAAATCTTCGAGTAAATCA[A>G]AGCGATCTCAGGGTCCTGTCCATATTACAGCAGGAAGTGAACCTGTCCCCATTGGAGAGG-3'
Protein context (NP_001262.3, residues 1429-1449): SGDAKSSSKS[Lys1439Glu]RSQGPVHITA